The following is an entry in ClinVar:

NM_020338.4(ZMIZ1):c.2777A>C (p.Asp926Ala)

Gene: ZMIZ1 (zinc finger MIZ-type containing 1; plus strand). Cytogenetic location: 10q22.3.
Variant type: single nucleotide variant.
Coding change: c.2777A>C on transcript NM_020338.4 (MANE Select); coding-DNA position 2777, A replaced by C.
Protein change: p.Asp926Ala; replaces aspartic acid 926 with alanine.
Molecular consequence: missense variant.
Genome position (GRCh38, 1-based): chr10:79,307,513, A>C. VCF-style: chr10-79307513-A-C. GRCh37 (hg19) VCF-style: chr10-81067270-A-C.
Other names: short protein forms D926A.
Identifiers: ClinVar variation 3360228 (VCV003360228.1).

ClinVar aggregate classification (germline): Uncertain significance (1 of 4 stars; one submission).

Submission:

GeneDx
Classification: Uncertain significance. Last evaluated: 2023-06-26. Review status: criteria provided, single submitter. Criteria: GeneDx Variant Classification Process June 2021. Collection method: clinical testing. Allele origin: germline. Affected: yes.
Comment: Not observed at significant frequency in large population cohorts (gnomAD); In silico analysis supports that this missense variant has a deleterious effect on protein structure/function; Has not been previously published as pathogenic or benign to our knowledge